The following is an entry in ClinVar:

ClinVar aggregate classification (germline): Uncertain significance (1 of 4 stars; one submission).

Submission:

Ambry Genetics
Classification: Uncertain significance. Last evaluated: 2022-12-24. Review status: criteria provided, single submitter. Criteria: Ambry Variant Classification Scheme 2023. Collection method: clinical testing. Allele origin: germline.
Comment: The p.L539F variant (also known as c.1617A>T), located in coding exon 15 of the RAD54L gene, results from an A to T substitution at nucleotide position 1617. The leucine at codon 539 is replaced by phenylalanine, an amino acid with highly similar properties. This amino acid position is conserved. In addition, this alteration is predicted to be tolerated by in silico analysis. Since supporting evidence is limited at this time, the clinical significance of this alteration remains unclear.

NM_003579.4(RAD54L):c.1617A>T (p.Leu539Phe)

Gene: RAD54L (RAD54 like; plus strand). Cytogenetic location: 1p34.1.
Variant type: single nucleotide variant.
Coding change: c.1617A>T on transcript NM_003579.4 (MANE Select); coding-DNA position 1617, A replaced by T.
Protein change: p.Leu539Phe; replaces leucine 539 with phenylalanine.
Molecular consequence: missense variant.
Genome position (GRCh38, 1-based): chr1:46,274,144, A>T. VCF-style: chr1-46274144-A-T. GRCh37 (hg19) VCF-style: chr1-46739816-A-T.
Other names: c.1617A>T, p.Leu539Phe (NM_001142548.2); c.1077A>T, p.Leu359Phe (NM_001370766.1); short protein forms L359F, L539F.
Identifiers: ClinVar variation 2447797 (VCV002447797.2), dbSNP rs2525715957, ClinGen allele CA340183206.